The following is an entry in ClinVar:

ClinVar aggregate classification (germline): Likely benign. Review status: criteria provided, single submitter (1 of 4 stars). 2 submissions from 2 submitters: Likely benign (1). 1 of the submissions does not count toward it. Last evaluated 2026-06-01.

Conditions:
CRELD1-related disorder. Also called: CRELD1-related condition.

Allele frequency attached by ClinVar (database versions not stated): 1000 Genomes Project 0.00100; 1000 Genomes Project 30x 0.00078; ExAC 0.00090.
gnomAD v4.1: 367 of 1,604,128 alleles (0.023%); highest among the groups gnomAD compares: South Asian, 0.37%; 6 homozygotes.

Submissions (2):

CeGaT Center for Human Genetics Tuebingen
Classification: Likely benign. Last evaluated: 2026-06-01. Review status: criteria provided, single submitter. Criteria: CeGaT Center For Human Genetics Tuebingen Variant Classification Criteria Version 2. Collection method: clinical testing. Allele origin: germline. Affected: yes. Observed: 2 variant alleles.
Comment: CRELD1: BP4, BS2

PreventionGenetics, part of Exact Sciences
Classification: Benign for CRELD1-related condition. Last evaluated: 2019-06-07. Review status: no assertion criteria provided. Collection method: clinical testing. Allele origin: germline. Not counted in ClinVar's aggregate classification.
Comment: This variant is classified as benign based on ACMG/AMP sequence variant interpretation guidelines (Richards et al. 2015 PMID: 25741868, with internal and published modifications).

NM_001077415.3(CRELD1):c.258-6G>A

Gene: CRELD1 (CRELD disulfide isomerase 1; plus strand). Cytogenetic location: 3p25.3.
Variant type: single nucleotide variant.
Coding change: c.258-6G>A on transcript NM_001077415.3 (MANE Select); 6 bases into the intron before coding-DNA position 258, G replaced by A.
Molecular consequence: intron variant.
Genome position (GRCh38, 1-based): chr3:9,937,556, G>A. VCF-style: chr3-9937556-G-A. GRCh37 (hg19) VCF-style: chr3-9979240-G-A.
Other names: c.258-6G>A (NM_001374317.1, NM_001031717.4, NM_001374319.1 and 6 more transcripts).
Identifiers: ClinVar variation 2653504 (VCV002653504.25), dbSNP rs573320219, ClinGen allele CA2247630.